The following is an entry in ClinVar:

ClinVar aggregate classification (germline): Uncertain significance. Review status: criteria provided, multiple submitters, no conflicts (2 of 4 stars). 2 submissions from 2 submitters: Uncertain significance (2). Last evaluated 2023-10-23.

Conditions:
Hereditary cancer-predisposing syndrome. Also called: Tumor predisposition; Neoplastic Syndromes, Hereditary; Hereditary Cancer Syndrome; Hereditary neoplastic syndrome. Identifiers: Orphanet 140162, MedGen C0027672, MeSH D009386, MONDO:0015356.

Allele frequency attached by ClinVar (database versions not stated): gnomAD 0.00001.
gnomAD v4.1: 1 of 1,614,042 alleles (0.000062%); highest among the groups gnomAD compares: African/African-American, 0.0013%; no homozygotes.

Submissions (2):

Quest Diagnostics Nichols Institute San Juan Capistrano
Classification: Uncertain significance. Last evaluated: 2023-10-23. Review status: criteria provided, single submitter. Criteria: Quest Diagnostics criteria. Collection method: clinical testing. Allele origin: unknown.
Comment: The CDH1 c.968C>G (p.Thr323Arg) variant has not been reported in individuals with CDH1-related conditions in the published literature. The frequency of this variant in the general population, 0.000032 (1/31390 chromosomes (Genome Aggregation Database)), is uninformative in the assessment of its pathogenicity. Analysis of this variant using bioinformatics tools for the prediction of the effect of amino acid changes on protein structure and function yielded conflicting predictions that this variant is benign or damaging. Based on the available information, we are unable to determine the clinical significance of this variant.

Ambry Genetics
Classification: Uncertain significance for Hereditary cancer-predisposing syndrome. Last evaluated: 2018-06-11. Review status: criteria provided, single submitter. Criteria: Ambry Variant Classification Scheme 2023. Collection method: clinical testing. Allele origin: germline.
Comment: The p.T323R variant (also known as c.968C>G), located in coding exon 7 of the CDH1 gene, results from a C to G substitution at nucleotide position 968. The threonine at codon 323 is replaced by arginine, an amino acid with similar properties. This amino acid position is not well conserved in available vertebrate species. In addition, the in silico prediction for this alteration is inconclusive. Since supporting evidence is limited at this time, the clinical significance of this alteration remains unclear.

NM_004360.5(CDH1):c.968C>G (p.Thr323Arg)

Gene: CDH1 (cadherin 1; plus strand). Cytogenetic location: 16q22.1.
Variant type: single nucleotide variant.
Coding change: c.968C>G on transcript NM_004360.5 (MANE Select); coding-DNA position 968, C replaced by G.
Protein change: p.Thr323Arg; replaces threonine 323 with arginine.
Molecular consequence: missense variant. On other transcripts: 5 prime UTR variant (2).
Genome position (GRCh38, 1-based): chr16:68,811,819, C>G. VCF-style: chr16-68811819-C-G. GRCh37 (hg19) VCF-style: chr16-68845722-C-G.
Other names: c.968C>G, p.Thr323Arg (NM_001317184.2); c.-648C>G (NM_001317185.2); c.-852C>G (NM_001317186.2); short protein forms T323R.
Identifiers: ClinVar variation 801142 (VCV000801142.7), dbSNP rs1487750656, ClinGen allele CA396459831.